The following is an entry in ClinVar:

NM_006204.4(PDE6C):c.548C>T (p.Pro183Leu)

Gene: PDE6C (phosphodiesterase 6C; plus strand). Cytogenetic location: 10q23.33.
Variant type: single nucleotide variant.
Coding change: c.548C>T on transcript NM_006204.4 (MANE Select); coding-DNA position 548, C replaced by T.
Protein change: p.Pro183Leu; replaces proline 183 with leucine.
Molecular consequence: missense variant.
Genome position (GRCh38, 1-based): chr10:93,620,699, C>T. VCF-style: chr10-93620699-C-T. GRCh37 (hg19) VCF-style: chr10-95380456-C-T.
Other names: short protein forms P183L.
Identifiers: ClinVar variation 1359317 (VCV001359317.9), dbSNP rs753424342, ClinGen allele CA5609875.

ClinVar aggregate classification (germline): Uncertain significance. Review status: criteria provided, single submitter (1 of 4 stars). 2 submissions from 2 submitters: Uncertain significance (1). 1 of the submissions does not count toward it. Last evaluated 2024-10-29.

Conditions:
Optic atrophy. Identifiers: MedGen C0029124, MONDO:0003608, HP:0000648.

Allele frequency attached by ClinVar (database versions not stated): gnomAD 0.00001; gnomAD exomes 0.00001; ExAC 0.00002.
gnomAD v4.1: 8 of 1,613,988 alleles (0.0005%); highest among the groups gnomAD compares: South Asian, 0.0022%; no homozygotes.

Submissions (2):

Labcorp Genetics (formerly Invitae), Labcorp
Classification: Uncertain significance. Last evaluated: 2024-10-29. Review status: criteria provided, single submitter. Criteria: Invitae Variant Classification Sherloc (09022015). Collection method: clinical testing. Allele origin: germline.
Comment: This sequence change replaces proline, which is neutral and non-polar, with leucine, which is neutral and non-polar, at codon 183 of the PDE6C protein (p.Pro183Leu). This variant is present in population databases (rs753424342, gnomAD 0.003%). This variant has not been reported in the literature in individuals affected with PDE6C-related conditions. ClinVar contains an entry for this variant (Variation ID: 1359317). Invitae Evidence Modeling of protein sequence and biophysical properties (such as structural, functional, and spatial information, amino acid conservation, physicochemical variation, residue mobility, and thermodynamic stability) indicates that this missense variant is expected to disrupt PDE6C protein function with a positive predictive value of 95%. In summary, the available evidence is currently insufficient to determine the role of this variant in disease. Therefore, it has been classified as a Variant of Uncertain Significance.

Institute of Human Genetics, Univ. Regensburg, Univ. Regensburg
Classification: Uncertain significance for Optic atrophy. Last evaluated: 2022-01-01. Review status: no assertion criteria provided. Criteria: ACMG Guidelines, 2015. Collection method: clinical testing. Allele origin: germline. Affected: yes. Not counted in ClinVar's aggregate classification.